The following is an entry in ClinVar:

ClinVar aggregate classification (germline): Likely benign. Review status: criteria provided, single submitter (1 of 4 stars). 2 submissions from 2 submitters: Likely benign (1). 1 of the submissions does not count toward it. Last evaluated 2025-09-20.

Conditions:
LAMA5-related disorder. Also called: LAMA5-related condition; LAMA5-Related Disorders.

Allele frequency attached by ClinVar (database versions not stated): gnomAD exomes 0.00003; TOPMed 0.00037; gnomAD 0.00038; ESP Exome Variant Server 0.00040; ExAC 0.00044; 1000 Genomes Project 0.00060; 1000 Genomes Project 30x 0.00078.
gnomAD v4.1: 105 of 1,498,642 alleles (0.007%); highest among the groups gnomAD compares: African/African-American, 0.1%; no homozygotes.

Submissions (2):

Labcorp Genetics (formerly Invitae), Labcorp
Classification: Likely benign. Last evaluated: 2025-09-20. Review status: criteria provided, single submitter. Criteria: Invitae Variant Classification Sherloc (09022015). Collection method: clinical testing. Allele origin: germline.

PreventionGenetics, part of Exact Sciences
Classification: Likely benign for LAMA5-related condition. Last evaluated: 2020-03-19. Review status: no assertion criteria provided. Collection method: clinical testing. Allele origin: germline. Not counted in ClinVar's aggregate classification.
Comment: This variant is classified as likely benign based on ACMG/AMP sequence variant interpretation guidelines (Richards et al. 2015 PMID: 25741868, with internal and published modifications).

NM_005560.6(LAMA5):c.6069C>T (p.Cys2023=)

Gene: LAMA5 (laminin subunit alpha 5; minus strand). Cytogenetic location: 20q13.33.
Variant type: single nucleotide variant.
Coding change: c.6069C>T on transcript NM_005560.6 (MANE Select); coding-DNA position 6069, C replaced by T.
Protein change: p.Cys2023=; no amino-acid change (cysteine 2023 retained).
Molecular consequence: synonymous variant.
Genome position (GRCh38, 1-based): chr20:62,322,754, G>A on the plus strand (C>T on the coding strand, the complement: LAMA5 is on the minus strand). VCF-style: chr20-62322754-G-A. GRCh37 (hg19) VCF-style: chr20-60897810-G-A.
Other names: c.6069C>T (NM_005560.4).
Identifiers: ClinVar variation 2172167 (VCV002172167.6), dbSNP rs199801942, ClinGen allele CA9941891.